The following is an entry in ClinVar:

ClinVar aggregate classification (germline): Uncertain significance (1 of 4 stars; one submission).

Allele frequency attached by ClinVar (database versions not stated): gnomAD 0.00044 and 0.00046; 1000 Genomes Project 30x 0.00047; 1000 Genomes Project 0.00060.
gnomAD v4.1: 194 of 1,614,044 alleles (0.012%); highest among the groups gnomAD compares: African/African-American, 0.2%; no homozygotes.

Submission:

Labcorp Genetics (formerly Invitae), Labcorp
Classification: Uncertain significance. Last evaluated: 2022-05-19. Review status: criteria provided, single submitter. Criteria: Invitae Variant Classification Sherloc (09022015). Collection method: clinical testing. Allele origin: germline.
Comment: This sequence change replaces threonine, which is neutral and polar, with alanine, which is neutral and non-polar, at codon 7 of the CKAP2L protein (p.Thr7Ala). This variant is present in population databases (rs374624935, gnomAD 0.1%). This variant has not been reported in the literature in individuals affected with CKAP2L-related conditions. Algorithms developed to predict the effect of missense changes on protein structure and function output the following: SIFT: "Tolerated"; PolyPhen-2: "Benign"; Align-GVGD: "Class C0". The alanine amino acid residue is found in multiple mammalian species, which suggests that this missense change does not adversely affect protein function. In summary, the available evidence is currently insufficient to determine the role of this variant in disease. Therefore, it has been classified as a Variant of Uncertain Significance.

NM_152515.5(CKAP2L):c.19A>G (p.Thr7Ala)

Gene: CKAP2L (cytoskeleton associated protein 2 like; minus strand). Cytogenetic location: 2q14.1.
Variant type: single nucleotide variant.
Coding change: c.19A>G on transcript NM_152515.5 (MANE Select); coding-DNA position 19, A replaced by G.
Protein change: p.Thr7Ala; replaces threonine 7 with alanine.
Molecular consequence: missense variant. On other transcripts: 5 prime UTR variant (1), non-coding transcript variant (1).
Genome position (GRCh38, 1-based): chr2:112,764,580, T>C on the plus strand (A>G on the coding strand, the complement: CKAP2L is on the minus strand). VCF-style: chr2-112764580-T-C. GRCh37 (hg19) VCF-style: chr2-113522157-T-C.
Other names: c.-418A>G (NM_001304361.2); short protein forms T7A.
Identifiers: ClinVar variation 1358169 (VCV001358169.5), dbSNP rs374624935, ClinGen allele CA1836974.
Genomic context (GRCh38, chr2:112,764,580, plus strand): 5'-GTTCCAACGCCTGAGAATAACGGGAACAGCGGTCGTACTCACCGACAGCGGCAGCAGCGG[T>C]AGGCCCGGGCCCCACCATGACTCTTCAGTGACAGTTTTTCTTCAAACGCCGCGCCTGTAG-3'
Protein context (NP_689728.3, residues 1-17): MVGPGP[Thr7Ala]AAAAVEERQR